The following is an entry in ClinVar:

NM_000051.4(ATM):c.2839-18del

Gene: ATM (ATM serine/threonine kinase; plus strand). Cytogenetic location: 11q22.3.
Variant type: Deletion.
Coding change: c.2839-18del on transcript NM_000051.4 (MANE Select); 18 bases into the intron before coding-DNA position 2839, one base deleted (T; older notation c.2839-18delT).
Molecular consequence: intron variant.
Genome position (GRCh38, 1-based): chr11:108,271,046, T deleted; the last of 7 consecutive T bases (chr11:108,271,040-108,271,046); deleting any one gives the same sequence. VCF-style (leftmost placement, unchanged base first): chr11-108271039-AT-A. GRCh37 (hg19) VCF-style: chr11-108141766-AT-A.
Other names: c.2839-18del (NM_001351834.2); c.2839-18delT (NM_000051.4).
Identifiers: ClinVar variation 3254425 (VCV003254425.2), dbSNP rs730881287.
Genomic context (GRCh38, chr11:108,271,039, plus strand): 5'-CCACTGCACCCGGCCTATGTTTATATACTTTTTAAAGTAAATGATTTGTGGATAAACCTG[AT>A]TTTTTTCCCTCCTACCATCTTAGTATCTAATGCTTTTAAAGGAGCTTCCTGGAGAAGAGT-3'

ClinVar aggregate classification (germline): Benign/Likely benign. Review status: criteria provided, multiple submitters, no conflicts (2 of 4 stars). 2 submissions from 2 submitters: Benign (1); Likely benign (1). Last evaluated 2025-03-04.

Conditions:
Familial cancer of breast. Also called: BREAST CANCER, FAMILIAL; Hereditary breast cancer; hereditary breast carcinoma. Identifiers: Orphanet 227535, MedGen C0346153, MONDO:0016419, OMIM 114480. Disease mechanism: loss of function.

Submissions (2):

Center for Genomic Medicine, Rigshospitalet, Copenhagen University Hospital
Classification: Likely benign. Last evaluated: 2025-03-04. Review status: criteria provided, single submitter. Criteria: ACMG Guidelines, 2015. Collection method: clinical testing. Allele origin: germline.
Comment: Classification criteria: BP4

Myriad Genetics, Inc.
Classification: Benign for Familial cancer of breast. Last evaluated: 2024-05-10. Review status: criteria provided, single submitter. Criteria: Myriad Autosomal Dominant, Autosomal Recessive and X-Linked Classification Criteria (2023). Collection method: clinical testing. Allele origin: unknown.
Comment: This variant is considered benign. This variant is intronic and is not expected to impact mRNA splicing.